The following is an entry in ClinVar:

ClinVar aggregate classification (germline): Likely benign (1 of 4 stars; one submission).

Conditions:
Familial cancer of breast. Also called: hereditary breast carcinoma; BREAST CANCER, FAMILIAL; Hereditary breast cancer. Identifiers: Orphanet 227535, MedGen C0346153, MONDO:0016419, OMIM 114480. Disease mechanism: loss of function.

Submission:

Myriad Genetics, Inc.
Classification: Likely benign for Familial cancer of breast. Last evaluated: 2024-06-21. Review status: criteria provided, single submitter. Criteria: Myriad Autosomal Dominant, Autosomal Recessive and X-Linked Classification Criteria (2023). Collection method: clinical testing. Allele origin: unknown.
Comment: This variant is considered likely benign. This variant is intronic and is not expected to impact mRNA splicing.

NM_000051.4(ATM):c.8851-17A>T

Genes: C11orf65 (chromosome 11 open reading frame 65; minus strand), ATM (ATM serine/threonine kinase; plus strand). Cytogenetic location: 11q22.3.
Variant type: single nucleotide variant.
Coding change: c.8851-17A>T on transcript NM_000051.4 (MANE Select); 17 bases into the intron before coding-DNA position 8851, A replaced by T.
Molecular consequence: intron variant.
Genome position (GRCh38, 1-based): chr11:108,365,065, A>T. VCF-style: chr11-108365065-A-T. GRCh37 (hg19) VCF-style: chr11-108235792-A-T.
Other names: c.8851-17A>T (NM_001351834.2); c.640+20855T>A (NM_001330368.2); c.694+20855T>A (NM_001351110.2).
Identifiers: ClinVar variation 3254338 (VCV003254338.1), dbSNP rs2091194046.
Genomic context (GRCh38, chr11:108,365,065, plus strand): 5'-GATACTGGTTCTACTGTTTCTAAGTATGTGATTAAAATGTACATTGTTCTTTTAATACAT[A>T]TGTTCTCTCTGTTTAGGTCCTTCTATATGATCCACTCTTTGACTGGACCATGAATCCTTT-3'